The following is an entry in ClinVar:

NM_018671.5(UNC45A):c.1409G>A (p.Arg470Gln)

Gene: UNC45A (unc-45 myosin chaperone A; plus strand). Cytogenetic location: 15q26.1.
Variant type: single nucleotide variant.
Coding change: c.1409G>A on transcript NM_018671.5 (MANE Select); coding-DNA position 1409, G replaced by A.
Protein change: p.Arg470Gln; replaces arginine 470 with glutamine.
Molecular consequence: missense variant.
Genome position (GRCh38, 1-based): chr15:90,946,823, G>A. VCF-style: chr15-90946823-G-A. GRCh37 (hg19) VCF-style: chr15-91490053-G-A.
Other names: c.1364G>A, p.Arg455Gln (NM_001039675.2, NM_001323621.2); c.1409G>A, p.Arg470Gln (NM_001323619.1); c.974G>A, p.Arg325Gln (NM_001323620.2); c.1409G>A (NM_018671.3); short protein forms R470Q, R455Q, R325Q.
Identifiers: ClinVar variation 1401269 (VCV001401269.8), dbSNP rs754794422, ClinGen allele CA7742894.

ClinVar aggregate classification (germline): Uncertain significance. Review status: criteria provided, multiple submitters, no conflicts (2 of 4 stars). 2 submissions from 2 submitters: Uncertain significance (2). Last evaluated 2024-11-18.

Conditions:
Inborn genetic diseases. Identifiers: MedGen C0950123, MeSH D030342.

Allele frequency attached by ClinVar (database versions not stated): ExAC 0.00001; gnomAD exomes 0.00001; gnomAD 0.00002; TOPMed 0.00003.
gnomAD v4.1: 14 of 1,614,066 alleles (0.00087%); highest among the groups gnomAD compares: African/African-American, 0.008%; no homozygotes.

Submissions (2):

Labcorp Genetics (formerly Invitae), Labcorp
Classification: Uncertain significance. Last evaluated: 2024-11-18. Review status: criteria provided, single submitter. Criteria: Invitae Variant Classification Sherloc (09022015). Collection method: clinical testing. Allele origin: germline.
Comment: This sequence change replaces arginine, which is basic and polar, with glutamine, which is neutral and polar, at codon 470 of the UNC45A protein (p.Arg470Gln). This variant is present in population databases (rs754794422, gnomAD 0.007%). This variant has not been reported in the literature in individuals affected with UNC45A-related conditions. ClinVar contains an entry for this variant (Variation ID: 1401269). Invitae Evidence Modeling of protein sequence and biophysical properties (such as structural, functional, and spatial information, amino acid conservation, physicochemical variation, residue mobility, and thermodynamic stability) has been performed for this missense variant. However, the output from this modeling did not meet the statistical confidence thresholds required to predict the impact of this variant on UNC45A protein function. In summary, the available evidence is currently insufficient to determine the role of this variant in disease. Therefore, it has been classified as a Variant of Uncertain Significance.

Ambry Genetics
Classification: Uncertain significance for Inborn genetic diseases. Last evaluated: 2023-11-17. Review status: criteria provided, single submitter. Criteria: Ambry Variant Classification Scheme 2023. Collection method: clinical testing. Allele origin: germline.